The following is an entry in ClinVar:

NM_021729.6(VPS11):c.1313C>T (p.Ala438Val)

Gene: VPS11 (VPS11 core subunit of CORVET and HOPS complexes; plus strand). Cytogenetic location: 11q23.3.
Variant type: single nucleotide variant.
Coding change: c.1313C>T on transcript NM_021729.6 (MANE Select); coding-DNA position 1313, C replaced by T.
Protein change: p.Ala438Val; replaces alanine 438 with valine.
Molecular consequence: missense variant. On other transcripts: non-coding transcript variant (8).
Genome position (GRCh38, 1-based): chr11:119,076,971, C>T. VCF-style: chr11-119076971-C-T. GRCh37 (hg19) VCF-style: chr11-118947681-C-T.
Other names: c.1283C>T, p.Ala428Val (NM_001290185.2); c.1325C>T, p.Ala442Val (NM_001378218.1, NM_001378219.1); c.1298C>T, p.Ala433Val (NM_001378220.1); c.1295C>T, p.Ala432Val (NM_001378221.1); short protein forms A428V, A438V, A432V, A433V, A442V.
Identifiers: ClinVar variation 1918440 (VCV001918440.3), dbSNP rs1309509778, ClinGen allele CA382972228.

ClinVar aggregate classification (germline): Uncertain significance (1 of 4 stars; one submission).

Allele frequency attached by ClinVar (database versions not stated): gnomAD exomes below 0.00001; TOPMed 0.00002.
gnomAD v4.1: 2 of 1,613,964 alleles (0.00012%); highest among the groups gnomAD compares: Non-Finnish European, 0.00017%; no homozygotes.

Submission:

Labcorp Genetics (formerly Invitae), Labcorp
Classification: Uncertain significance. Last evaluated: 2021-12-31. Review status: criteria provided, single submitter. Criteria: Invitae Variant Classification Sherloc (09022015). Collection method: clinical testing. Allele origin: germline.
Comment: In summary, the available evidence is currently insufficient to determine the role of this variant in disease. Therefore, it has been classified as a Variant of Uncertain Significance. This variant has not been reported in the literature in individuals affected with VPS11-related conditions. This variant is present in population databases (no rsID available, gnomAD 0.0009%). This sequence change replaces alanine, which is neutral and non-polar, with valine, which is neutral and non-polar, at codon 438 of the VPS11 protein (p.Ala438Val).